The following is an entry in ClinVar:

NM_001364905.1(LRBA):c.476_549+580del

Gene: LRBA (LPS responsive beige-like anchor protein; minus strand). Cytogenetic location: 4q31.3.
Variant type: Deletion.
Coding change: c.476_549+580del on transcript NM_001364905.1 (MANE Select); coding-DNA position 476 through 580 bases into the intron after coding-DNA position 549, 654 bases deleted.
Molecular consequence: splice donor variant.
Genome position (GRCh38, 1-based): chr4:150,927,936-150,928,589, 654 bases deleted. GRCh37 (hg19): chr4:151,849,093-151,849,746.
Other names: c.476_549+580del (NM_001367550.1, NM_006726.5, NM_001199282.3 and 2 more transcripts).
Identifiers: ClinVar variation 2116284 (VCV002116284.4), dbSNP rs2546693049, ClinGen allele CA2580071599.

ClinVar aggregate classification (germline): Likely pathogenic (1 of 4 stars; one submission).

Conditions:
Combined immunodeficiency due to LRBA deficiency. Also called: Common variable immunodeficiency 8, with autoimmunity. Identifiers: Orphanet 445018, MedGen C3553512, MONDO:0013863, OMIM 614700.

Submission:

Labcorp Genetics (formerly Invitae), Labcorp
Classification: Likely pathogenic for Combined immunodeficiency due to LRBA deficiency. Last evaluated: 2022-03-23. Review status: criteria provided, single submitter. Criteria: Invitae Variant Classification Sherloc (09022015). Collection method: clinical testing. Allele origin: germline.
Comment: Experimental studies and prediction algorithms are not available or were not evaluated, and the functional significance of this variant is currently unknown. This variant results in the deletion of part of exon 4 (c.476_549+580del) of the LRBA gene. It is expected to disrupt RNA splicing. Variants that disrupt the donor or acceptor splice site typically lead to a loss of protein function (PMID: 16199547), and loss-of-function variants in LRBA are known to be pathogenic (PMID: 26206937, 26768763). This variant is not present in population databases (gnomAD no frequency). This variant has not been reported in the literature in individuals affected with LRBA-related conditions. In summary, the currently available evidence indicates that the variant is pathogenic, but additional data are needed to prove that conclusively. Therefore, this variant has been classified as Likely Pathogenic.

Literature cited by the submitters: PubMed 16199547; PubMed 26206937; PubMed 26768763.